The following is an entry in ClinVar:

ClinVar aggregate classification (germline): Uncertain significance (1 of 4 stars; one submission).

Allele frequency attached by ClinVar (database versions not stated): TOPMed below 0.00001.
gnomAD v4.1: 3 of 1,613,820 alleles (0.00019%); highest among the groups gnomAD compares: Non-Finnish European, 0.00025%; no homozygotes.

Submission:

Labcorp Genetics (formerly Invitae), Labcorp
Classification: Uncertain significance. Last evaluated: 2023-07-18. Review status: criteria provided, single submitter. Criteria: Invitae Variant Classification Sherloc (09022015). Collection method: clinical testing. Allele origin: germline.
Comment: This sequence change replaces arginine, which is basic and polar, with tryptophan, which is neutral and slightly polar, at codon 785 of the PRPF6 protein (p.Arg785Trp). This variant is present in population databases (no rsID available, gnomAD 0.0009%). This variant has not been reported in the literature in individuals affected with PRPF6-related conditions. Advanced modeling of protein sequence and biophysical properties (such as structural, functional, and spatial information, amino acid conservation, physicochemical variation, residue mobility, and thermodynamic stability) performed at Invitae indicates that this missense variant is expected to disrupt PRPF6 protein function. In summary, the available evidence is currently insufficient to determine the role of this variant in disease. Therefore, it has been classified as a Variant of Uncertain Significance.

NM_012469.4(PRPF6):c.2353C>T (p.Arg785Trp)

Gene: PRPF6 (pre-mRNA processing factor 6; plus strand). Cytogenetic location: 20q13.33.
Variant type: single nucleotide variant.
Coding change: c.2353C>T on transcript NM_012469.4 (MANE Select); coding-DNA position 2353, C replaced by T.
Protein change: p.Arg785Trp; replaces arginine 785 with tryptophan.
Molecular consequence: missense variant.
Genome position (GRCh38, 1-based): chr20:64,028,491, C>T. VCF-style: chr20-64028491-C-T. GRCh37 (hg19) VCF-style: chr20-62659844-C-T.
Other names: short protein forms R785W.
Identifiers: ClinVar variation 2884998 (VCV002884998.3), dbSNP rs1292818093, ClinGen allele CA409742373.